The following is an entry in ClinVar:

ClinVar aggregate classification (germline): Pathogenic/Likely pathogenic. Review status: criteria provided, multiple submitters, no conflicts (2 of 4 stars). 3 submissions from 3 submitters: Pathogenic (1); Likely pathogenic (2). Last evaluated 2024-03-25.

Conditions:
Microcephaly 9, primary, autosomal recessive. Identifiers: Orphanet 2512, MedGen C3553886, MONDO:0013923, OMIM 614852.

Allele frequency attached by ClinVar (database versions not stated): gnomAD exomes below 0.00001.
gnomAD v4.1: 5 of 1,613,920 alleles (0.00031%); highest among the groups gnomAD compares: Middle Eastern, 0.017%; no homozygotes.

Submissions (3):

Genomic Medicine Center of Excellence, King Faisal Specialist Hospital and Research Centre
Classification: Pathogenic for Microcephaly 9, primary, autosomal recessive. Last evaluated: 2024-03-25. Review status: criteria provided, single submitter. Criteria: ACMG Guidelines, 2015. Collection method: clinical testing. Allele origin: germline.

Labcorp Genetics (formerly Invitae), Labcorp
Classification: Likely pathogenic. Last evaluated: 2023-07-31. Review status: criteria provided, single submitter. Criteria: Invitae Variant Classification Sherloc (09022015). Collection method: clinical testing. Allele origin: germline.
Comment: In summary, the currently available evidence indicates that the variant is pathogenic, but additional data are needed to prove that conclusively. Therefore, this variant has been classified as Likely Pathogenic. Algorithms developed to predict the effect of sequence changes on RNA splicing suggest that this variant may disrupt the consensus splice site. ClinVar contains an entry for this variant (Variation ID: 1324054). This variant has not been reported in the literature in individuals affected with CEP152-related conditions. This variant is present in population databases (no rsID available, gnomAD 0.0009%). This sequence change affects a donor splice site in intron 5 of the CEP152 gene. It is expected to disrupt RNA splicing. Variants that disrupt the donor or acceptor splice site typically lead to a loss of protein function (PMID: 16199547), and loss-of-function variants in CEP152 are known to be pathogenic (PMID: 21131973).

Revvity Omics, Revvity
Classification: Likely pathogenic. Last evaluated: 2021-05-28. Review status: criteria provided, single submitter. Criteria: ACMG Guidelines, 2015. Collection method: clinical testing. Allele origin: germline.

Literature cited by the submitters: PubMed 16199547 (cited by Labcorp Genetics (formerly Invitae), Labcorp); PubMed 21131973 (cited by Labcorp Genetics (formerly Invitae), Labcorp).

NM_001194998.2(CEP152):c.540+1G>A

Gene: CEP152 (centrosomal protein 152; minus strand). Cytogenetic location: 15q21.1.
Variant type: single nucleotide variant.
Coding change: c.540+1G>A on transcript NM_001194998.2 (MANE Select); the canonical splice donor site of the intron after coding-DNA position 540, G replaced by A.
Molecular consequence: splice donor variant.
Genome position (GRCh38, 1-based): chr15:48,797,300, C>T on the plus strand (G>A on the coding strand, the complement: CEP152 is on the minus strand). VCF-style: chr15-48797300-C-T. GRCh37 (hg19) VCF-style: chr15-49089497-C-T.
Other names: c.540+1G>A (NM_014985.4).
Identifiers: ClinVar variation 1324054 (VCV001324054.9), dbSNP rs1263911484, ClinGen allele CA392357566.
Genomic context (GRCh38, chr15:48,797,300, plus strand): 5'-AAACATCACGCAAATGCGTGTGCACACACACAAGTTCTTGAAAGTCAAGTTTTTACAATA[C>T]CTGAAAATGGTTCCATTGAGGATCTGAAAATTTAATTACATTGGTTGCTTGGTTATTAAA-3'